The following is an entry in ClinVar:

ClinVar aggregate classification (germline): Uncertain significance (1 of 4 stars; one submission).

Conditions:
Autosomal recessive mendelian susceptibility to mycobacterial diseases due to complete RORgamma receptor deficiency. Also called: Immunodeficiency 42. Identifiers: Orphanet 477857, MedGen C5567647, MONDO:0014710, OMIM 616622.

Allele frequency attached by ClinVar (database versions not stated): gnomAD exomes 0.00001; TOPMed 0.00002.

Submission:

Labcorp Genetics (formerly Invitae), Labcorp
Classification: Uncertain significance for Autosomal recessive mendelian susceptibility to mycobacterial diseases due to complete RORgamma receptor deficiency. Last evaluated: 2022-08-09. Review status: criteria provided, single submitter. Criteria: Invitae Variant Classification Sherloc (09022015). Collection method: clinical testing. Allele origin: germline.
Comment: This variant is present in population databases (no rsID available, gnomAD 0.003%). This sequence change replaces glycine, which is neutral and non-polar, with aspartic acid, which is acidic and polar, at codon 221 of the RORC protein (p.Gly221Asp). This variant has not been reported in the literature in individuals affected with RORC-related conditions. In summary, the available evidence is currently insufficient to determine the role of this variant in disease. Therefore, it has been classified as a Variant of Uncertain Significance. Algorithms developed to predict the effect of missense changes on protein structure and function output the following: SIFT: "Tolerated"; PolyPhen-2: "Benign"; Align-GVGD: "Class C0". The aspartic acid amino acid residue is found in multiple mammalian species, which suggests that this missense change does not adversely affect protein function.

NM_005060.4(RORC):c.662G>A (p.Gly221Asp)

Gene: RORC (RAR related orphan receptor C; minus strand). Cytogenetic location: 1q21.3.
Variant type: single nucleotide variant.
Coding change: c.662G>A on transcript NM_005060.4 (MANE Select); coding-DNA position 662, G replaced by A.
Protein change: p.Gly221Asp; replaces glycine 221 with aspartic acid.
Molecular consequence: missense variant.
Genome position (GRCh38, 1-based): chr1:151,815,062, C>T on the plus strand (G>A on the coding strand, the complement: RORC is on the minus strand). VCF-style: chr1-151815062-C-T. GRCh37 (hg19) VCF-style: chr1-151787538-C-T.
Other names: c.599G>A, p.Gly200Asp (NM_001001523.2); short protein forms G200D, G221D.
Identifiers: ClinVar variation 2145707 (VCV002145707.4), dbSNP rs966281606, ClinGen allele CA30498276.
Genomic context (GRCh38, chr1:151,815,062, plus strand): 5'-AGCCCAGGATGCCTGTGTTCCTCAAAACGAAGTCCACATCGGTCAGGGGTCAGCTGGCTG[C>T]CTGTGCTATAGAAGCTCTCTCTGCCCTCAGCCTTGCCCCGCTCAGGGCTGTATTCAAGGT-3'
Protein context (NP_005051.2, residues 211-231): AEGRESFYST[Gly221Asp]SQLTPDRCGL